The following is an entry in ClinVar:

NM_018706.7(DHTKD1):c.1806_1809del (p.Ser602fs)

Gene: DHTKD1 (dehydrogenase E1 and transketolase domain containing 1; plus strand). Cytogenetic location: 10p14.
Variant type: Microsatellite.
Coding change: c.1806_1809del on transcript NM_018706.7 (MANE Select); coding-DNA positions 1806 to 1809, 4 bases deleted (TCAG; older notation c.1806_1809delTCAG).
Protein change: p.Ser602fs; shifts the reading frame from serine 602.
Molecular consequence: frameshift variant.
Genome position (GRCh38, 1-based): chr10:12,101,091-12,101,094, TCAG deleted; deleting any 4 consecutive bases within chr10:12,101,087-12,101,094 gives the same sequence; the c. name uses the placement nearest the transcript's 3' end. VCF-style (leftmost placement, unchanged base first): chr10-12101086-TTCAG-T. GRCh37 (hg19) VCF-style: chr10-12143085-TTCAG-T.
Other names: short protein forms S602fs.
Identifiers: ClinVar variation 2718150 (VCV002718150.3), dbSNP rs761024388, ClinGen allele CA5408037.

ClinVar aggregate classification (germline): Pathogenic (1 of 4 stars; one submission).

Conditions:
2-aminoadipic 2-oxoadipic aciduria (AAKAD). Also called: Aminoadipic aciduria; ALPHA-AMINOADIPIC AND ALPHA-KETOADIPIC ACIDURIA. Identifiers: Orphanet 79154, MedGen C1859817, MONDO:0008774, OMIM 204750.

Submission:

Labcorp Genetics (formerly Invitae), Labcorp
Classification: Pathogenic for 2-aminoadipic 2-oxoadipic aciduria. Last evaluated: 2023-06-17. Review status: criteria provided, single submitter. Criteria: Invitae Variant Classification Sherloc (09022015). Collection method: clinical testing. Allele origin: germline.
Comment: For these reasons, this variant has been classified as Pathogenic. This variant has not been reported in the literature in individuals affected with DHTKD1-related conditions. This variant is present in population databases (rs761024388, gnomAD 0.01%). This sequence change creates a premature translational stop signal (p.Ser602Argfs*18) in the DHTKD1 gene. It is expected to result in an absent or disrupted protein product. Loss-of-function variants in DHTKD1 are known to be pathogenic (PMID: 23141293, 25860818).

Literature cited by the submitters: PubMed 23141293; PubMed 25860818.